The following is an entry in ClinVar:

NM_001388419.1(KALRN):c.132G>A (p.Lys44=)

Gene: KALRN (kalirin RhoGEF kinase; plus strand). Cytogenetic location: 3q21.2.
Variant type: single nucleotide variant.
Coding change: c.132G>A on transcript NM_001388419.1 (MANE Select); coding-DNA position 132, G replaced by A.
Protein change: p.Lys44=; no amino-acid change (lysine 44 retained).
Molecular consequence: synonymous variant.
Genome position (GRCh38, 1-based): chr3:124,228,048, G>A. VCF-style: chr3-124228048-G-A. GRCh37 (hg19) VCF-style: chr3-123946895-G-A.
Other names: c.126G>A, p.Lys42= (NM_001024660.5, NM_001322988.2, NM_001322989.2 and 4 more transcripts); c.132G>A, p.Lys44= (NM_001388417.1, NM_001388418.1).
Identifiers: ClinVar variation 3060740 (VCV003060740.2), dbSNP rs2293641, ClinGen allele CA2578878.

ClinVar aggregate classification (germline): Benign (0 of 4 stars; one submission).

Conditions:
KALRN-related disorder. Also called: KALRN-related condition.

Allele frequency attached by ClinVar (database versions not stated): gnomAD exomes 0.05566; ExAC 0.08809; ESP Exome Variant Server 0.09350; gnomAD 0.09991; TOPMed 0.10901; 1000 Genomes Project 0.13978; 1000 Genomes Project 30x 0.14147.
gnomAD v4.1: 97,413 of 1,613,456 alleles (6%); highest among the groups gnomAD compares: African/African-American, 21%; 4,897 homozygotes.

Submission:

PreventionGenetics, part of Exact Sciences
Classification: Benign for KALRN-related condition. Last evaluated: 2019-11-18. Review status: no assertion criteria provided. Collection method: clinical testing. Allele origin: germline.
Comment: This variant is classified as benign based on ACMG/AMP sequence variant interpretation guidelines (Richards et al. 2015 PMID: 25741868, with internal and published modifications).